The following is an entry in ClinVar:

ClinVar aggregate classification (germline): Pathogenic/Likely pathogenic. Review status: criteria provided, multiple submitters, no conflicts (2 of 4 stars). 2 submissions from 2 submitters: Pathogenic (1); Likely pathogenic (1). Last evaluated 2025-05-29.

Conditions:
TGM1-related disorder. Also called: TGM1-related condition.
Autosomal recessive congenital ichthyosis 1 (LI1). Also called: COLLODION FETUS; DESQUAMATION OF NEWBORN; ICHTHYOSIS CONGENITA; ICHTHYOSIS CONGENITA II; LAMELLAR EXFOLIATION OF NEWBORN; ICHTHYOSIS, CONGENITAL, AUTOSOMAL RECESSIVE 1, WITH BATHING SUIT DISTRIBUTION. Identifiers: MedGen C4551630, MONDO:0009441, OMIM 242300.

Submissions (2):

PreventionGenetics, part of Exact Sciences
Classification: Likely pathogenic for TGM1-related condition. Last evaluated: 2025-05-29. Review status: criteria provided, single submitter. Criteria: ACMG Guidelines, 2015. Collection method: clinical testing. Allele origin: germline.
Comment: The TGM1 c.936T>G variant is predicted to result in premature protein termination (p.Tyr312*). To our knowledge, this variant has not been reported in the literature or in a large population database (gnomAD), indicating this variant is rare. Nonsense variants in TGM1 are expected to be pathogenic. This variant is interpreted as likely pathogenic.

Myriad Genetics, Inc.
Classification: Pathogenic for Autosomal recessive congenital ichthyosis 1. Last evaluated: 2024-04-01. Review status: criteria provided, single submitter. Criteria: Myriad Autosomal Dominant, Autosomal Recessive and X-Linked Classification Criteria (2023). Collection method: clinical testing. Allele origin: unknown.
Comment: NM_000359.2(TGM1):c.936T>G(Y312*) is expected to be pathogenic in the context of TGM1-related autosomal recessive congenital ichthyosis. This variant is predicted to lead to an abnormal or absent protein product due to the creation of a premature termination codon in TGM1, a gene where loss-of-function variants are known to be pathogenic. Please note: this variant was assessed in the context of healthy population screening.

NM_000359.3(TGM1):c.936T>G (p.Tyr312Ter)

Gene: TGM1 (transglutaminase 1; minus strand). Cytogenetic location: 14q12.
Variant type: single nucleotide variant.
Coding change: c.936T>G on transcript NM_000359.3 (MANE Select); coding-DNA position 936, T replaced by G.
Protein change: p.Tyr312Ter; replaces tyrosine 312 with a stop codon.
Molecular consequence: nonsense.
Genome position (GRCh38, 1-based): chr14:24,259,752, A>C on the plus strand (T>G on the coding strand, the complement: TGM1 is on the minus strand). VCF-style: chr14-24259752-A-C. GRCh37 (hg19) VCF-style: chr14-24728958-A-C.
Other names: short protein forms Y312*.
Identifiers: ClinVar variation 5000005 (VCV005000005.2).